The following is an entry in ClinVar:

ClinVar aggregate classification (germline): Pathogenic/Likely pathogenic. Review status: criteria provided, multiple submitters, no conflicts (2 of 4 stars). 4 submissions from 4 submitters: Pathogenic (1); Likely pathogenic (3). Last evaluated 2025-12-15.

Conditions:
Sucrase-isomaltase deficiency (CSID). Also called: SI DEFICIENCY; Congenital sucrose isomaltose malabsorption; Sucrose isomaltose enzyme deficiency; Deficiency of isomaltase. Identifiers: Orphanet 35122, MedGen C1283620, MONDO:0009114, OMIM 222900.

Submissions (4):

Labcorp Genetics (formerly Invitae), Labcorp
Classification: Pathogenic. Last evaluated: 2025-12-15. Review status: criteria provided, single submitter. Criteria: Invitae Variant Classification Sherloc (09022015). Collection method: clinical testing. Allele origin: germline.
Comment: This sequence change creates a premature translational stop signal (p.Tyr1063*) in the SI gene. It is expected to result in an absent or disrupted protein product. Loss-of-function variants in SI are known to be pathogenic (PMID: 16329100, 23103650, 25452324). This variant is present in population databases (rs776569472, gnomAD 0.03%). This variant has not been reported in the literature in individuals affected with SI-related conditions. ClinVar contains an entry for this variant (Variation ID: 418676). For these reasons, this variant has been classified as Pathogenic.

Fulgent Genetics
Classification: Likely pathogenic for Sucrase-isomaltase deficiency. Last evaluated: 2024-06-03. Review status: criteria provided, single submitter. Criteria: ACMG Guidelines, 2015. Collection method: clinical testing. Allele origin: germline.

GeneDx
Classification: Likely pathogenic. Last evaluated: 2023-01-18. Review status: criteria provided, single submitter. Criteria: GeneDx Variant Classification Process June 2021. Collection method: clinical testing. Allele origin: germline. Affected: yes.
Comment: Frameshift variant predicted to result in protein truncation or nonsense mediated decay in a gene for which loss-of-function is a known mechanism of disease; Has not been previously published as pathogenic or benign to our knowledge; This variant is associated with the following publications: (PMID: 31589614)

Revvity Omics, Revvity
Classification: Likely pathogenic for Sucrase-isomaltase deficiency. Last evaluated: 2020-04-02. Review status: criteria provided, single submitter. Criteria: ACMG Guidelines, 2015. Collection method: clinical testing. Allele origin: germline.

Literature cited by the submitters: PubMed 16329100 (cited by Labcorp Genetics (formerly Invitae), Labcorp); PubMed 23103650 (cited by Labcorp Genetics (formerly Invitae), Labcorp); PubMed 25452324 (cited by Labcorp Genetics (formerly Invitae), Labcorp).

NM_001041.4(SI):c.3186_3187del (p.Leu1062_Tyr1063insTer)

Gene: SI (sucrase-isomaltase; minus strand). Cytogenetic location: 3q26.1.
Variant type: Deletion.
Coding change: c.3186_3187del on transcript NM_001041.4 (MANE Select); coding-DNA positions 3186 to 3187, 2 bases deleted (TT; older notation c.3186_3187delTT).
Protein change: p.Leu1062_Tyr1063insTer.
Molecular consequence: frameshift variant.
Genome position (GRCh38, 1-based): chr3:165,021,296-165,021,297, AA deleted on the plus strand (TT on the coding strand, the reverse complement: SI is on the minus strand); deleting any 2 consecutive bases within chr3:165,021,296-165,021,298 gives the same sequence; the c. name uses the placement nearest the transcript's 3' end. VCF-style (leftmost placement, unchanged base first): chr3-165021295-TAA-T. GRCh37 (hg19) VCF-style: chr3-164739083-TAA-T.
Other names: c.3186_3187delTT (NM_001041.3).
Identifiers: ClinVar variation 418676 (VCV000418676.18), dbSNP rs776569472, ClinGen allele CA2690358.